The following is an entry in ClinVar:

NM_001145026.2(PTPRQ):c.3867T>G (p.Tyr1289Ter)

Gene: PTPRQ (protein tyrosine phosphatase receptor type Q; plus strand). Cytogenetic location: 12q21.31.
Variant type: single nucleotide variant.
Coding change: c.3867T>G on transcript NM_001145026.2 (MANE Select); coding-DNA position 3867, T replaced by G.
Protein change: p.Tyr1289Ter; replaces tyrosine 1289 with a stop codon.
Molecular consequence: nonsense.
Genome position (GRCh38, 1-based): chr12:80,542,875, T>G. VCF-style: chr12-80542875-T-G. GRCh37 (hg19) VCF-style: chr12-80936654-T-G.
Other names: short protein forms Y1289*.
Identifiers: ClinVar variation 4887025 (VCV004887025.1).

ClinVar aggregate classification (germline): Likely pathogenic (1 of 4 stars; one submission).

Conditions:
Hearing loss, autosomal dominant 73. Also called: DEAFNESS, AUTOSOMAL DOMINANT 73. Identifiers: MedGen C4540024, MONDO:0033260, OMIM 617663.

Submission:

MVZ Medizinische Genetik Mainz
Classification: Likely pathogenic for Hearing loss, autosomal dominant 73. Last evaluated: 2026-07-20. Review status: criteria provided, single submitter. Criteria: UK Practice Guidelines For Variant Classification V4 01 2020. Collection method: clinical testing. Allele origin: germline. Inheritance: Autosomal dominant inheritance. Affected: yes. Observed: 1 variant allele.
Comment: ACMG Criteria: PVS1,PM2_SUP